The following is an entry in ClinVar:

ClinVar aggregate classification (germline): Uncertain significance (1 of 4 stars; one submission).

Conditions:
Hereditary cancer-predisposing syndrome. Also called: Neoplastic Syndromes, Hereditary; Tumor predisposition; Hereditary neoplastic syndrome; Hereditary Cancer Syndrome. Identifiers: Orphanet 140162, MedGen C0027672, MeSH D009386, MONDO:0015356.

Submission:

Ambry Genetics
Classification: Uncertain significance for Hereditary cancer-predisposing syndrome. Last evaluated: 2015-04-05. Review status: criteria provided, single submitter. Criteria: Ambry Variant Classification Scheme 2023. Collection method: clinical testing. Allele origin: germline.
Comment: The c.3313+12C>G intronic alteration consists of a C to G substitution 2 nucleotides after coding exon 14 in the MET gene. Based on insufficient or conflicting evidence, the clinical significance of this alteration remains unclear.

NM_000245.4(MET):c.3259+12C>G

Gene: MET (MET proto-oncogene, receptor tyrosine kinase; plus strand). Cytogenetic location: 7q31.2.
Variant type: single nucleotide variant.
Coding change: c.3259+12C>G on transcript NM_000245.4 (MANE Select); 12 bases into the intron after coding-DNA position 3259, C replaced by G.
Molecular consequence: intron variant.
Genome position (GRCh38, 1-based): chr7:116,775,123, C>G. VCF-style: chr7-116775123-C-G. GRCh37 (hg19) VCF-style: chr7-116415177-C-G.
Other names: c.3313+12C>G (NM_001127500.3); c.1969+12C>G (NM_001324402.2).
Identifiers: ClinVar variation 3076109 (VCV003076109.1), dbSNP rs2117032556, ClinGen allele CA2715550448.